The following is an entry in ClinVar:

NM_000057.4(BLM):c.931G>T (p.Ala311Ser)

Gene: BLM (BLM RecQ like helicase; plus strand). Cytogenetic location: 15q26.1.
Variant type: single nucleotide variant.
Coding change: c.931G>T on transcript NM_000057.4 (MANE Select); coding-DNA position 931, G replaced by T.
Protein change: p.Ala311Ser; replaces alanine 311 with serine.
Molecular consequence: missense variant. On other transcripts: 5 prime UTR variant (1).
Genome position (GRCh38, 1-based): chr15:90,751,918, G>T. VCF-style: chr15-90751918-G-T. GRCh37 (hg19) VCF-style: chr15-91295148-G-T.
Other names: c.931G>T (LRG_20t1); c.931G>T, p.Ala311Ser (NM_001287246.2, NM_001287247.2); c.-361G>T (NM_001287248.2); short protein forms A311S.
Identifiers: ClinVar variation 485358 (VCV000485358.13), dbSNP rs753911420, ClinGen allele CA7738391.

ClinVar aggregate classification (germline): Uncertain significance. Review status: criteria provided, multiple submitters, no conflicts (2 of 4 stars). 4 submissions from 4 submitters: Uncertain significance (4). Last evaluated 2025-12-23.

Conditions:
Hereditary cancer-predisposing syndrome. Also called: Neoplastic Syndromes, Hereditary; Tumor predisposition; Hereditary Cancer Syndrome; Hereditary neoplastic syndrome. Identifiers: Orphanet 140162, MedGen C0027672, MeSH D009386, MONDO:0015356.
Bloom syndrome (BLM). Also called: Bloom-Torre-Machacek syndrome. Identifiers: Orphanet 125, MedGen C0005859, MONDO:0008876, OMIM 210900.

Allele frequency attached by ClinVar (database versions not stated): gnomAD exomes below 0.00001 and 0.00002; TOPMed below 0.00001; gnomAD 0.00001; ExAC 0.00002.
gnomAD v4.1: 5 of 1,612,484 alleles (0.00031%); no homozygotes.

Submissions (4):

Labcorp Genetics (formerly Invitae), Labcorp
Classification: Uncertain significance for Bloom syndrome. Last evaluated: 2025-12-23. Review status: criteria provided, single submitter. Criteria: Invitae Variant Classification Sherloc (09022015). Collection method: clinical testing. Allele origin: germline.
Comment: This sequence change replaces alanine, which is neutral and non-polar, with serine, which is neutral and polar, at codon 311 of the BLM protein (p.Ala311Ser). This variant is present in population databases (rs753911420, gnomAD 0.04%). This variant has not been reported in the literature in individuals affected with BLM-related conditions. ClinVar contains an entry for this variant (Variation ID: 485358). Invitae Evidence Modeling of protein sequence and biophysical properties (such as structural, functional, and spatial information, amino acid conservation, physicochemical variation, residue mobility, and thermodynamic stability) indicates that this missense variant is not expected to disrupt BLM protein function with a negative predictive value of 80%. In summary, the available evidence is currently insufficient to determine the role of this variant in disease. Therefore, it has been classified as a Variant of Uncertain Significance.

Quest Diagnostics Nichols Institute San Juan Capistrano
Classification: Uncertain significance. Last evaluated: 2024-05-01. Review status: criteria provided, single submitter. Criteria: Quest Diagnostics criteria. Collection method: clinical testing. Allele origin: unknown.
Comment: The BLM c.931G>T (p.Ala311Ser) variant has not been reported in individuals with BLM-related conditions in the published literature. The frequency of this variant in the general population, 0.0004 (4/10078 chromosomes (Genome Aggregation Database)), is uninformative in the assessment of its pathogenicity. Analysis of this variant using bioinformatics tools for the prediction of the effect of amino acid changes on protein structure and function yielded predictions that this variant is benign. Based on the available information, we are unable to determine the clinical significance of this variant.

Ambry Genetics
Classification: Uncertain significance for Hereditary cancer-predisposing syndrome. Last evaluated: 2023-09-27. Review status: criteria provided, single submitter. Criteria: Ambry Variant Classification Scheme 2023. Collection method: clinical testing. Allele origin: germline.
Comment: The p.A311S variant (also known as c.931G>T), located in coding exon 3 of the BLM gene, results from a G to T substitution at nucleotide position 931. The alanine at codon 311 is replaced by serine, an amino acid with similar properties. This amino acid position is poorly conserved in available vertebrate species. In addition, this alteration is predicted to be tolerated by in silico analysis. Since supporting evidence is limited at this time, the clinical significance of this alteration remains unclear.

Sema4
Classification: Uncertain significance for Hereditary cancer-predisposing syndrome. Last evaluated: 2021-06-28. Review status: criteria provided, single submitter. Criteria: Sema4 Curation Guidelines. Collection method: curation. Allele origin: germline.
Comment: The BLM c.931G>T (p.A311S) variant has not been reported in the literature to our knowledge. It was observed in 4/10078 chromosomes of the Ashkenazi Jewish subpopulation in the large and broad cohorts of the Genome Aggregation Database (PMID: 32461654) and has been reported in ClinVar (Variation ID 485358). In silico tools suggest the impact of the variant on protein function is benign, though these predictions have not been confirmed by functional studies. The evidence is insufficient to meet ACMG/AMP criteria for classifying the variant as benign or pathogenic. Thus, the clinical significance of this variant is currently uncertain.